The following is an entry in ClinVar:

ClinVar aggregate classification (germline): Uncertain significance (1 of 4 stars; one submission).

Submission:

GeneDx
Classification: Uncertain significance. Last evaluated: 2019-07-10. Review status: criteria provided, single submitter. Criteria: GeneDx Variant Classification Process June 2021. Collection method: clinical testing. Allele origin: germline. Affected: yes.
Comment: Not observed in large population cohorts (Lek et al., 2016); In silico analysis, which includes protein predictors and evolutionary conservation, supports a deleterious effect; Has not been previously published as pathogenic or benign to our knowledge

NM_001193315.2(VIPAS39):c.647A>G (p.Glu216Gly)

Gene: VIPAS39 (VPS33B interacting protein, apical-basolateral polarity regulator, spe-39 homolog; minus strand). Cytogenetic location: 14q24.3.
Variant type: single nucleotide variant.
Coding change: c.647A>G on transcript NM_001193315.2 (MANE Select); coding-DNA position 647, A replaced by G.
Protein change: p.Glu216Gly; replaces glutamic acid 216 with glycine.
Molecular consequence: missense variant.
Genome position (GRCh38, 1-based): chr14:77,442,647, T>C on the plus strand (A>G on the coding strand, the complement: VIPAS39 is on the minus strand). VCF-style: chr14-77442647-T-C. GRCh37 (hg19) VCF-style: chr14-77908990-T-C.
Other names: c.647A>G, p.Glu216Gly (NM_001193314.2, NM_001193317.2, NM_022067.4); c.500A>G, p.Glu167Gly (NM_001193316.2); short protein forms E167G, E216G.
Identifiers: ClinVar variation 1306656 (VCV001306656.2), dbSNP rs2078721108, ClinGen allele CA390697882.